The following is an entry in ClinVar:

NM_173651.4(FSIP2):c.15693C>A (p.Ile5231=)

Gene: FSIP2 (fibrous sheath interacting protein 2; plus strand). Cytogenetic location: 2q32.1.
Variant type: single nucleotide variant.
Coding change: c.15693C>A on transcript NM_173651.4 (MANE Select); coding-DNA position 15693, C replaced by A.
Protein change: p.Ile5231=; no amino-acid change (isoleucine 5231 retained).
Molecular consequence: synonymous variant.
Genome position (GRCh38, 1-based): chr2:185,804,999, C>A. VCF-style: chr2-185804999-C-A. GRCh37 (hg19) VCF-style: chr2-186669726-C-A.
Identifiers: ClinVar variation 3052879 (VCV003052879.3), dbSNP rs74615451, ClinGen allele CA2017134.

ClinVar aggregate classification (germline): Likely benign. Review status: criteria provided, single submitter (1 of 4 stars). 2 submissions from 2 submitters: Likely benign (1). 1 of the submissions does not count toward it. Last evaluated 2024-09-11.

Conditions:
FSIP2-related disorder. Also called: FSIP2-related condition.

Allele frequency attached by ClinVar (database versions not stated): gnomAD exomes 0.00059; ExAC 0.00372; gnomAD 0.00594; TOPMed 0.00675; 1000 Genomes Project 0.00759; 1000 Genomes Project 30x 0.00828.
gnomAD v4.1: 1,755 of 1,574,980 alleles (0.11%); highest among the groups gnomAD compares: African/African-American, 2.1%; 22 homozygotes.

Submissions (2):

Blueprint Genetics
Classification: Likely benign. Last evaluated: 2024-09-11. Review status: criteria provided, single submitter. Criteria: ACMG Guidelines, 2015. Collection method: clinical testing. Allele origin: germline.

PreventionGenetics, part of Exact Sciences
Classification: Benign for FSIP2-related condition. Last evaluated: 2019-03-06. Review status: no assertion criteria provided. Collection method: clinical testing. Allele origin: germline. Not counted in ClinVar's aggregate classification.
Comment: This variant is classified as benign based on ACMG/AMP sequence variant interpretation guidelines (Richards et al. 2015 PMID: 25741868, with internal and published modifications).